The following is an entry in ClinVar:

NM_001999.4(FBN2):c.7429A>G (p.Lys2477Glu)

Gene: FBN2 (fibrillin 2; minus strand). Cytogenetic location: 5q23.3.
Variant type: single nucleotide variant.
Coding change: c.7429A>G on transcript NM_001999.4 (MANE Select); coding-DNA position 7429, A replaced by G.
Protein change: p.Lys2477Glu; replaces lysine 2477 with glutamic acid.
Molecular consequence: missense variant.
Genome position (GRCh38, 1-based): chr5:128,277,922, T>C on the plus strand (A>G on the coding strand, the complement: FBN2 is on the minus strand). VCF-style: chr5-128277922-T-C. GRCh37 (hg19) VCF-style: chr5-127613614-T-C.
Other names: short protein forms K2477E.
Identifiers: ClinVar variation 837575 (VCV000837575.10), dbSNP rs1765435966, ClinGen allele CA360754333.

ClinVar aggregate classification (germline): Uncertain significance (1 of 4 stars; one submission).

Conditions:
Congenital contractural arachnodactyly (CCA). Also called: BEALS SYNDROME; Beals-Hecht syndrome; Arthrogryposis, distal, type 9. Identifiers: Orphanet 115, MedGen C0220668, MONDO:0007363, OMIM 121050.

Submission:

Labcorp Genetics (formerly Invitae), Labcorp
Classification: Uncertain significance for Congenital contractural arachnodactyly. Last evaluated: 2022-08-10. Review status: criteria provided, single submitter. Criteria: Invitae Variant Classification Sherloc (09022015). Collection method: clinical testing. Allele origin: germline.
Comment: ClinVar contains an entry for this variant (Variation ID: 837575). Advanced modeling of protein sequence and biophysical properties (such as structural, functional, and spatial information, amino acid conservation, physicochemical variation, residue mobility, and thermodynamic stability) performed at Invitae indicates that this missense variant is not expected to disrupt FBN2 protein function. In summary, the available evidence is currently insufficient to determine the role of this variant in disease. Therefore, it has been classified as a Variant of Uncertain Significance. This variant has not been reported in the literature in individuals affected with FBN2-related conditions. This variant is not present in population databases (gnomAD no frequency). This sequence change replaces lysine, which is basic and polar, with glutamic acid, which is acidic and polar, at codon 2477 of the FBN2 protein (p.Lys2477Glu).